The following is an entry in ClinVar:

NM_004082.5(DCTN1):c.623C>T (p.Pro208Leu)

Gene: DCTN1 (dynactin subunit 1; minus strand). Cytogenetic location: 2p13.1.
Variant type: single nucleotide variant.
Coding change: c.623C>T on transcript NM_004082.5 (MANE Select); coding-DNA position 623, C replaced by T.
Protein change: p.Pro208Leu; replaces proline 208 with leucine.
Molecular consequence: missense variant. On other transcripts: non-coding transcript variant (1).
Genome position (GRCh38, 1-based): chr2:74,371,559, G>A on the plus strand (C>T on the coding strand, the complement: DCTN1 is on the minus strand). VCF-style: chr2-74371559-G-A. GRCh37 (hg19) VCF-style: chr2-74598686-G-A.
Other names: c.563C>T, p.Pro188Leu (NM_001135040.3); c.221C>T, p.Pro74Leu (NM_001135041.3, NM_023019.4); c.512C>T, p.Pro171Leu (NM_001190836.2); c.602C>T, p.Pro201Leu (NM_001190837.2); c.572C>T, p.Pro191Leu (NM_001378991.1); c.554C>T, p.Pro185Leu (NM_001378992.1); short protein forms P201L, P74L, P171L, P185L, P188L, P191L, P208L.
Identifiers: ClinVar variation 1390429 (VCV001390429.6), dbSNP rs1461654392, ClinGen allele CA347366828.

ClinVar aggregate classification (germline): Uncertain significance (1 of 4 stars; one submission).

Conditions:
Perry syndrome. Also called: PARKINSONISM WITH ALVEOLAR HYPOVENTILATION AND MENTAL DEPRESSION. Identifiers: Orphanet 178509, MedGen C1868594, MONDO:0008201, OMIM 168605.
Neuronopathy, distal hereditary motor, type 7B. Also called: Distal Hereditary Motor Neuronopathy Type 7B (dHMN7B); HMN VIIB; LOWER MOTOR NEURON DISEASE, DYNACTIN TYPE; NEURONOPATHY, DISTAL HEREDITARY MOTOR, AUTOSOMAL DOMINANT 14; NEURONOPATHY, DISTAL HEREDITARY MOTOR, HARDING TYPE VIIB; NEUROPATHY, DISTAL HEREDITARY MOTOR, HARDING TYPE VIIB. Identifiers: Orphanet 139589, MedGen C1843315, MONDO:0011879, OMIM 607641.
Amyotrophic lateral sclerosis type 1 (ALS1). Also called: AMYOTROPHIC LATERAL SCLEROSIS 1, FAMILIAL. Identifiers: Orphanet 803, MedGen C1862939, MONDO:0007103, OMIM 105400.

Allele frequency attached by ClinVar (database versions not stated): gnomAD 0.00001.

Submission:

Labcorp Genetics (formerly Invitae), Labcorp
Classification: Uncertain significance for Amyotrophic lateral sclerosis type 1; Neuronopathy, distal hereditary motor, type 7B; Perry syndrome. Last evaluated: 2021-10-31. Review status: criteria provided, single submitter. Criteria: Invitae Variant Classification Sherloc (09022015). Collection method: clinical testing. Allele origin: germline.
Comment: In summary, the available evidence is currently insufficient to determine the role of this variant in disease. Therefore, it has been classified as a Variant of Uncertain Significance. This sequence change replaces proline, which is neutral and non-polar, with leucine, which is neutral and non-polar, at codon 208 of the DCTN1 protein (p.Pro208Leu). This variant is not present in population databases (gnomAD no frequency). This variant has not been reported in the literature in individuals affected with DCTN1-related conditions. Algorithms developed to predict the effect of missense changes on protein structure and function output the following: SIFT: "Tolerated"; PolyPhen-2: "Benign"; Align-GVGD: "Class C0". The leucine amino acid residue is found in multiple mammalian species, which suggests that this missense change does not adversely affect protein function.